The following is an entry in ClinVar:

NM_001166108.2(PALLD):c.2193T>G (p.Ala731=)

Genes: CBR4 (carbonyl reductase 4; minus strand), PALLD (palladin, cytoskeletal associated protein; plus strand). Cytogenetic location: 4q32.3.
Variant type: single nucleotide variant.
Coding change: c.2193T>G on transcript NM_001166108.2 (MANE Select); coding-DNA position 2193, T replaced by G.
Protein change: p.Ala731=; no amino-acid change (alanine 731 retained).
Molecular consequence: synonymous variant.
Genome position (GRCh38, 1-based): chr4:168,894,671, T>G. VCF-style: chr4-168894671-T-G. GRCh37 (hg19) VCF-style: chr4-169815822-T-G.
Other names: c.1047T>G, p.Ala349= (NM_001166109.2); c.732T>G, p.Ala244= (NM_001166110.2); c.72T>G, p.Ala24= (NM_001367567.1, NM_001367568.1, NM_001367569.1 and 1 more transcripts); c.2193T>G, p.Ala731= (NM_016081.4).
Identifiers: ClinVar variation 4564165 (VCV004564165.1).

ClinVar aggregate classification (germline): Uncertain significance (1 of 4 stars; one submission).

Submission:

Ambry Genetics
Classification: Uncertain significance. Last evaluated: 2025-10-23. Review status: criteria provided, single submitter. Criteria: Ambry Variant Classification Scheme 2023. Collection method: clinical testing. Allele origin: germline.
Comment: The c.732T>G variant (also known as p.A244A), located in coding exon 3 of the PALLD gene, results from a T to G substitution at nucleotide position 732. This nucleotide substitution does not change the amino acid at codon 244. This nucleotide position is not well conserved in available vertebrate species. In silico splice site analysis for this alteration is inconclusive. The evidence for this gene-disease relationship is limited; therefore, the clinical significance of this alteration is unclear.